The following is an entry in ClinVar:

ClinVar aggregate classification (germline): Uncertain significance (1 of 4 stars; one submission).

Submission:

Labcorp Genetics (formerly Invitae), Labcorp
Classification: Uncertain significance. Last evaluated: 2024-06-23. Review status: criteria provided, single submitter. Criteria: Invitae Variant Classification Sherloc (09022015). Collection method: clinical testing. Allele origin: germline.
Comment: This variant, c.1079_1093del, results in the deletion of 5 amino acid(s) of the KLF10 protein (p.Gln360_Ser364del), but otherwise preserves the integrity of the reading frame. This variant is not present in population databases (gnomAD no frequency). This variant has not been reported in the literature in individuals affected with KLF10-related conditions. Experimental studies and prediction algorithms are not available or were not evaluated, and the functional significance of this variant is currently unknown. In summary, the available evidence is currently insufficient to determine the role of this variant in disease. Therefore, it has been classified as a Variant of Uncertain Significance.

NM_005655.4(KLF10):c.1079_1093del (p.Gln360_Ser364del)

Gene: KLF10 (KLF transcription factor 10; minus strand). Cytogenetic location: 8q22.3.
Variant type: Deletion.
Coding change: c.1079_1093del on transcript NM_005655.4 (MANE Select); coding-DNA positions 1079 to 1093, 15 bases deleted (AGATTGATTCATCAA).
Protein change: p.Gln360_Ser364del.
Molecular consequence: non-coding transcript variant (on NR_103760.2).
Genome position (GRCh38, 1-based): chr8:102,651,239-102,651,253, TTGATGAATCAATCT deleted on the plus strand (AGATTGATTCATCAA on the coding strand, the reverse complement: KLF10 is on the minus strand). VCF-style (leftmost placement, unchanged base first): chr8-102651238-CTTGATGAATCAATCT-C. GRCh37 (hg19) VCF-style: chr8-103663466-CTTGATGAATCAATCT-C.
Other names: c.1046_1060del, p.Gln349_Ser353del (NM_001032282.4).
Identifiers: ClinVar variation 3718780 (VCV003718780.2).